The following is an entry in ClinVar:

ClinVar aggregate classification (germline): Uncertain significance (1 of 4 stars; one submission).

Conditions:
Immunodeficiency 39 (IMD39). Identifiers: Orphanet 574918, MedGen C4225358, MONDO:0014597, OMIM 616345.

Allele frequency attached by ClinVar (database versions not stated): gnomAD exomes 0.00001; gnomAD 0.00002; TOPMed 0.00002; ExAC 0.00003.

Submission:

Labcorp Genetics (formerly Invitae), Labcorp
Classification: Uncertain significance for Immunodeficiency 39. Last evaluated: 2023-05-20. Review status: criteria provided, single submitter. Criteria: Invitae Variant Classification Sherloc (09022015). Collection method: clinical testing. Allele origin: germline.
Comment: This variant is present in population databases (rs774910361, gnomAD 0.01%). In summary, the available evidence is currently insufficient to determine the role of this variant in disease. Therefore, it has been classified as a Variant of Uncertain Significance. Advanced modeling of protein sequence and biophysical properties (such as structural, functional, and spatial information, amino acid conservation, physicochemical variation, residue mobility, and thermodynamic stability) performed at Invitae indicates that this missense variant is not expected to disrupt IRF7 protein function. ClinVar contains an entry for this variant (Variation ID: 1991638). This variant has not been reported in the literature in individuals affected with IRF7-related conditions. This sequence change replaces glycine, which is neutral and non-polar, with glutamic acid, which is acidic and polar, at codon 230 of the IRF7 protein (p.Gly230Glu).

NM_001572.5(IRF7):c.650G>A (p.Gly217Glu)

Gene: IRF7 (interferon regulatory factor 7; minus strand). Cytogenetic location: 11p15.5.
Variant type: single nucleotide variant.
Coding change: c.650G>A on transcript NM_001572.5 (MANE Select); coding-DNA position 650, G replaced by A.
Protein change: p.Gly217Glu; replaces glycine 217 with glutamic acid.
Molecular consequence: missense variant.
Genome position (GRCh38, 1-based): chr11:614,203, C>T on the plus strand (G>A on the coding strand, the complement: IRF7 is on the minus strand). VCF-style: chr11-614203-C-T. GRCh37 (hg19) VCF-style: chr11-614203-C-T.
Other names: c.650G>A, p.Gly217Glu (NM_004029.4); c.689G>A, p.Gly230Glu (NM_004031.4); short protein forms G230E, G217E.
Identifiers: ClinVar variation 1991638 (VCV001991638.4), dbSNP rs774910361, ClinGen allele CA5783879.